The following is an entry in ClinVar:

ClinVar aggregate classification (germline): Likely benign. Review status: criteria provided, multiple submitters, no conflicts (2 of 4 stars). 2 submissions from 2 submitters: Likely benign (2). Last evaluated 2026-07-08.

Conditions:
Rhabdoid tumor predisposition syndrome 2 (RTPS2). Identifiers: Orphanet 231108, Orphanet 69077, MedGen C2750074, MONDO:0013224, OMIM 613325.

Submissions (2):

Myriad Genetics, Inc.
Classification: Likely benign for Rhabdoid tumor predisposition syndrome 2. Last evaluated: 2026-07-08. Review status: criteria provided, single submitter. Criteria: Myriad Autosomal Dominant, Autosomal Recessive and X-Linked Classification Criteria (2023). Collection method: clinical testing. Allele origin: unknown.
Comment: This variant is considered likely benign. This variant is intronic and is not expected to impact mRNA splicing.

Labcorp Genetics (formerly Invitae), Labcorp
Classification: Likely benign for Rhabdoid tumor predisposition syndrome 2. Last evaluated: 2025-10-26. Review status: criteria provided, single submitter. Criteria: Invitae Variant Classification Sherloc (09022015). Collection method: clinical testing. Allele origin: germline.

NM_003072.5(SMARCA4):c.3873+8G>A

Gene: SMARCA4 (SWI/SNF related BAF chromatin remodeling complex subunit ATPase 4; plus strand). Cytogenetic location: 19p13.2.
Variant type: single nucleotide variant.
Coding change: c.3873+8G>A on transcript NM_003072.5 (MANE Select); 8 bases into the intron after coding-DNA position 3873, G replaced by A.
Molecular consequence: intron variant.
Genome position (GRCh38, 1-based): chr19:11,033,873, G>A. VCF-style: chr19-11033873-G-A. GRCh37 (hg19) VCF-style: chr19-11144549-G-A.
Other names: c.3873+8G>A (NM_001128844.3, NM_001128849.3, NM_001387283.1); c.3775-250G>A (NM_001128847.4, NM_001411150.1, NM_001374457.1 and 3 more transcripts).
Identifiers: ClinVar variation 2855055 (VCV002855055.4), dbSNP rs143683319, ClinGen allele CA2735337155.
Genomic context (GRCh38, chr19:11,033,873, plus strand): 5'-CTGCCCCTCCGCCAGCGGGCGTCAACCCCGACTTGGAGGAGCCACCTCTAAAGGTGAGAG[G>A]GGTAGTTCAGTCTCCATGCCCATTCAATCCTCGGCTTCTCGGCTGAGACGGCCAGCAAGG-3'